The following is an entry in ClinVar:

NM_005051.3(QARS1):c.1389-3C>A

Gene: QARS1 (glutaminyl-tRNA synthetase 1; minus strand). Cytogenetic location: 3p21.31.
Variant type: single nucleotide variant.
Coding change: c.1389-3C>A on transcript NM_005051.3 (MANE Select); 3 bases into the intron before coding-DNA position 1389, C replaced by A.
Molecular consequence: intron variant.
Genome position (GRCh38, 1-based): chr3:49,099,650, G>T on the plus strand (C>A on the coding strand, the complement: QARS1 is on the minus strand). VCF-style: chr3-49099650-G-T. GRCh37 (hg19) VCF-style: chr3-49137083-G-T.
Other names: c.1356-3C>A (NM_001272073.2).
Identifiers: ClinVar variation 1325841 (VCV001325841.7), dbSNP rs368358627, ClinGen allele CA1047726248.

ClinVar aggregate classification (germline): Conflicting classifications of pathogenicity. Review status: criteria provided, conflicting classifications (1 of 4 stars). 2 submissions from 2 submitters: Likely pathogenic (1); Uncertain significance (1). Last evaluated 2022-09-28.

Conditions:
Diffuse cerebral and cerebellar atrophy - intractable seizures - progressive microcephaly syndrome. Also called: Microcephaly, progressive, with seizures and cerebral and cerebellar atrophy. Identifiers: Orphanet 404437, MedGen C4014239, MONDO:0014335, OMIM 615760.

Allele frequency attached by ClinVar (database versions not stated): gnomAD 0.00001.
gnomAD v4.1: 2 of 1,613,118 alleles (0.00012%); highest among the groups gnomAD compares: Non-Finnish European, 0.00017%; no homozygotes.

Submissions (2):

Institute of Human Genetics, University of Leipzig Medical Center
Classification: Likely pathogenic for Diffuse cerebral and cerebellar atrophy - intractable seizures - progressive microcephaly syndrome. Last evaluated: 2022-09-28. Review status: criteria provided, single submitter. Criteria: ACMG Guidelines, 2015. Collection method: clinical testing. Allele origin: inherited. Affected: yes.
Comment: Criterial applied: PM2_SUP, PP1_STR, PP3

Labcorp Genetics (formerly Invitae), Labcorp
Classification: Uncertain significance for Diffuse cerebral and cerebellar atrophy - intractable seizures - progressive microcephaly syndrome. Last evaluated: 2022-06-15. Review status: criteria provided, single submitter. Criteria: Invitae Variant Classification Sherloc (09022015). Collection method: clinical testing. Allele origin: germline.
Comment: In summary, the available evidence is currently insufficient to determine the role of this variant in disease. Therefore, it has been classified as a Variant of Uncertain Significance. Variants that disrupt the consensus splice site are a relatively common cause of aberrant splicing (PMID: 17576681, 9536098). Algorithms developed to predict the effect of sequence changes on RNA splicing suggest that this variant may create or strengthen a splice site. ClinVar contains an entry for this variant (Variation ID: 1325841). This variant has not been reported in the literature in individuals affected with QARS-related conditions. This variant is not present in population databases (gnomAD no frequency). This sequence change falls in intron 15 of the QARS gene. It does not directly change the encoded amino acid sequence of the QARS protein. It affects a nucleotide within the consensus splice site.

Literature cited by the submitters: PubMed 17576681 (cited by Labcorp Genetics (formerly Invitae), Labcorp); PubMed 9536098 (cited by Labcorp Genetics (formerly Invitae), Labcorp).